The following is an entry in ClinVar:

NM_003060.4(SLC22A5):c.1061T>C (p.Ile354Thr)

Gene: SLC22A5 (solute carrier family 22 member 5; plus strand). Cytogenetic location: 5q31.1.
Variant type: single nucleotide variant.
Coding change: c.1061T>C on transcript NM_003060.4 (MANE Select); coding-DNA position 1061, T replaced by C.
Protein change: p.Ile354Thr; replaces isoleucine 354 with threonine.
Molecular consequence: missense variant.
Genome position (GRCh38, 1-based): chr5:132,390,698, T>C. VCF-style: chr5-132390698-T-C. GRCh37 (hg19) VCF-style: chr5-131726390-T-C.
Other names: c.1133T>C, p.Ile378Thr (NM_001308122.2); short protein forms I354T, I378T.
Identifiers: ClinVar variation 1723556 (VCV001723556.2), dbSNP rs1195145988, ClinGen allele CA360807390.

ClinVar aggregate classification (germline): Uncertain significance (1 of 4 stars; one submission).

Allele frequency attached by ClinVar (database versions not stated): gnomAD exomes below 0.00001; TOPMed below 0.00001; gnomAD 0.00001.

Submission:

GeneDx
Classification: Uncertain significance. Last evaluated: 2022-05-13. Review status: criteria provided, single submitter. Criteria: GeneDx Variant Classification Process June 2021. Collection method: clinical testing. Allele origin: germline. Affected: yes.
Comment: Not observed at significant frequency in large population cohorts (gnomAD); In silico analysis supports that this missense variant does not alter protein structure/function; Has not been previously published as pathogenic or benign to our knowledge